The following is an entry in ClinVar:

NM_015338.6(ASXL1):c.2808C>T (p.Thr936=)

Gene: ASXL1 (ASXL transcriptional regulator 1; plus strand). Cytogenetic location: 20q11.21.
Variant type: single nucleotide variant.
Coding change: c.2808C>T on transcript NM_015338.6 (MANE Select); coding-DNA position 2808, C replaced by T.
Protein change: p.Thr936=; no amino-acid change (threonine 936 retained).
Molecular consequence: synonymous variant.
Genome position (GRCh38, 1-based): chr20:32,435,520, C>T. VCF-style: chr20-32435520-C-T. GRCh37 (hg19) VCF-style: chr20-31023323-C-T.
Other names: c.2625C>T, p.Thr875= (NM_001363734.1).
Identifiers: ClinVar variation 3956432 (VCV003956432.3).

ClinVar aggregate classification (germline): Likely benign. Review status: criteria provided, multiple submitters, no conflicts (2 of 4 stars). 2 submissions from 2 submitters: Likely benign (2). Last evaluated 2026-07-01.

Conditions:
Inborn genetic diseases. Identifiers: MedGen C0950123, MeSH D030342.

gnomAD v4.1: 3 of 1,613,868 alleles (0.00019%); highest among the groups gnomAD compares: African/African-American, 0.004%; no homozygotes.

Submissions (2):

CeGaT Center for Human Genetics Tuebingen
Classification: Likely benign. Last evaluated: 2026-07-01. Review status: criteria provided, single submitter. Criteria: CeGaT Center For Human Genetics Tuebingen Variant Classification Criteria Version 2. Collection method: clinical testing. Allele origin: germline. Affected: yes. Observed: 4 variant alleles.
Comment: ASXL1: BP4, BP7

Ambry Genetics
Classification: Likely benign for Inborn genetic diseases. Last evaluated: 2025-04-21. Review status: criteria provided, single submitter. Criteria: Ambry Variant Classification Scheme 2023. Collection method: clinical testing. Allele origin: germline.